The following is an entry in ClinVar:

ClinVar aggregate classification (germline): Uncertain significance (1 of 4 stars; one submission).

Conditions:
Luscan-Lumish syndrome. Identifiers: Orphanet 597738, MedGen C4085873, MONDO:0014791, OMIM 616831.

gnomAD v4.1: 1 of 1,614,186 alleles (0.000062%); no homozygotes.

Submission:

Labcorp Genetics (formerly Invitae), Labcorp
Classification: Uncertain significance for Luscan-Lumish syndrome. Last evaluated: 2020-09-03. Review status: criteria provided, single submitter. Criteria: Invitae Variant Classification Sherloc (09022015). Collection method: clinical testing. Allele origin: germline.
Comment: This sequence change replaces proline with serine at codon 2151 of the SETD2 protein (p.Pro2151Ser). The proline residue is moderately conserved and there is a moderate physicochemical difference between proline and serine. This variant is not present in population databases (ExAC no frequency). This variant has not been reported in the literature in individuals with SETD2-related conditions. Algorithms developed to predict the effect of missense changes on protein structure and function are either unavailable or do not agree on the potential impact of this missense change (SIFT: "Tolerated"; PolyPhen-2: "Possibly Damaging"; Align-GVGD: "Class C0"). In summary, the available evidence is currently insufficient to determine the role of this variant in disease. Therefore, it has been classified as a Variant of Uncertain Significance.

NM_014159.7(SETD2):c.6451C>T (p.Pro2151Ser)

Gene: SETD2 (SET domain containing 2, histone lysine methyltransferase; minus strand). Cytogenetic location: 3p21.31.
Variant type: single nucleotide variant.
Coding change: c.6451C>T on transcript NM_014159.7 (MANE Select); coding-DNA position 6451, C replaced by T.
Protein change: p.Pro2151Ser; replaces proline 2151 with serine.
Molecular consequence: missense variant. On other transcripts: non-coding transcript variant (1).
Genome position (GRCh38, 1-based): chr3:47,057,333, G>A on the plus strand (C>T on the coding strand, the complement: SETD2 is on the minus strand). VCF-style: chr3-47057333-G-A. GRCh37 (hg19) VCF-style: chr3-47098823-G-A.
Other names: c.6319C>T, p.Pro2107Ser (NM_001349370.3); short protein forms P2107S, P2151S.
Identifiers: ClinVar variation 1014671 (VCV001014671.5), dbSNP rs1559673216, ClinGen allele CA352521027.